The following is an entry in ClinVar:

NM_005732.4(RAD50):c.1686A>G (p.Glu562=)

Gene: RAD50 (RAD50 double strand break repair protein; plus strand). Cytogenetic location: 5q31.1.
Variant type: single nucleotide variant.
Coding change: c.1686A>G on transcript NM_005732.4 (MANE Select); coding-DNA position 1686, A replaced by G.
Protein change: p.Glu562=; no amino-acid change (glutamic acid 562 retained).
Molecular consequence: synonymous variant.
Genome position (GRCh38, 1-based): chr5:132,591,927, A>G. VCF-style: chr5-132591927-A-G. GRCh37 (hg19) VCF-style: chr5-131927619-A-G.
Identifiers: ClinVar variation 184321 (VCV000184321.39), dbSNP rs751250564, ClinGen allele CA188595.

ClinVar aggregate classification (germline): Likely benign. Review status: criteria provided, multiple submitters, no conflicts (2 of 4 stars). 4 submissions from 4 submitters: Likely benign (4). Last evaluated 2025-09-08.

Conditions:
Hereditary cancer-predisposing syndrome. Also called: Tumor predisposition; Neoplastic Syndromes, Hereditary; Hereditary Cancer Syndrome; Hereditary neoplastic syndrome. Identifiers: Orphanet 140162, MedGen C0027672, MeSH D009386, MONDO:0015356.

Allele frequency attached by ClinVar (database versions not stated): gnomAD exomes 0.00002 and 0.00001; TOPMed 0.00002; gnomAD 0.00003; ExAC 0.00001.
gnomAD v4.1: 31 of 1,608,474 alleles (0.0019%); highest among the groups gnomAD compares: Non-Finnish European, 0.0026%; no homozygotes.

Submissions (4):

Labcorp Genetics (formerly Invitae), Labcorp
Classification: Likely benign for Hereditary cancer-predisposing syndrome. Last evaluated: 2025-09-08. Review status: criteria provided, single submitter. Criteria: Invitae Variant Classification Sherloc (09022015). Collection method: clinical testing. Allele origin: germline.

CeGaT Center for Human Genetics Tuebingen
Classification: Likely benign. Last evaluated: 2024-01-01. Review status: criteria provided, single submitter. Criteria: CeGaT Center For Human Genetics Tuebingen Variant Classification Criteria Version 2. Collection method: clinical testing. Allele origin: germline. Affected: yes. Observed: 1 variant allele.
Comment: RAD50: BP4, BP7

Blueprint Genetics
Classification: Likely benign. Last evaluated: 2021-09-15. Review status: criteria provided, single submitter. Criteria: ACMG Guidelines, 2015. Collection method: clinical testing. Allele origin: germline.

Ambry Genetics
Classification: Likely benign for Hereditary cancer-predisposing syndrome. Last evaluated: 2014-11-05. Review status: criteria provided, single submitter. Criteria: Ambry Variant Classification Scheme 2023. Collection method: clinical testing. Allele origin: germline.